The following is an entry in ClinVar:

ClinVar aggregate classification (germline): Uncertain significance (1 of 4 stars; one submission).

Conditions:
Long QT syndrome (LQTS). Identifiers: MedGen C0023976, MeSH D008133, MONDO:0002442. Disease mechanism: loss of function. Inheritance: Various modes of inheritance.

gnomAD v4.1: 3 of 1,612,886 alleles (0.00019%); highest among the groups gnomAD compares: Non-Finnish European, 0.00025%; no homozygotes.

Submission:

Labcorp Genetics (formerly Invitae), Labcorp
Classification: Uncertain significance for Long QT syndrome. Last evaluated: 2025-07-27. Review status: criteria provided, single submitter. Criteria: Invitae Variant Classification Sherloc (09022015). Collection method: clinical testing. Allele origin: germline.
Comment: This sequence change replaces threonine, which is neutral and polar, with isoleucine, which is neutral and non-polar, at codon 247 of the KCNQ1 protein (p.Thr247Ile). This variant is not present in population databases (gnomAD no frequency). This variant has not been reported in the literature in individuals affected with KCNQ1-related conditions. Invitae Evidence Modeling of protein sequence and biophysical properties (such as structural, functional, and spatial information, amino acid conservation, physicochemical variation, residue mobility, and thermodynamic stability) indicates that this missense variant is expected to disrupt KCNQ1 protein function with a positive predictive value of 95%. In summary, the available evidence is currently insufficient to determine the role of this variant in disease. Therefore, it has been classified as a Variant of Uncertain Significance.

NM_000218.3(KCNQ1):c.740C>T (p.Thr247Ile)

Gene: KCNQ1 (potassium voltage-gated channel subfamily Q member 1; plus strand). Cytogenetic location: 11p15.5.
Variant type: single nucleotide variant.
Coding change: c.740C>T on transcript NM_000218.3 (MANE Select); coding-DNA position 740, C replaced by T.
Protein change: p.Thr247Ile; replaces threonine 247 with isoleucine.
Molecular consequence: missense variant. On other transcripts: intron variant (1).
Genome position (GRCh38, 1-based): chr11:2,572,069, C>T. VCF-style: chr11-2572069-C-T. GRCh37 (hg19) VCF-style: chr11-2593299-C-T.
Other names: c.740C>T, p.Thr247Ile (NM_001406836.1); c.470C>T, p.Thr157Ile (NM_001406837.1); c.359C>T, p.Thr120Ile (NM_181798.2); c.478-11366C>T (NM_001406838.1); short protein forms T120I, T247I, T157I.
Identifiers: ClinVar variation 4693366 (VCV004693366.1).